The following is an entry in ClinVar:

NM_199355.4(ADAMTS18):c.1071C>G (p.Ile357Met)

Gene: ADAMTS18 (ADAM metallopeptidase with thrombospondin type 1 motif 18; minus strand). Cytogenetic location: 16q23.1.
Variant type: single nucleotide variant.
Coding change: c.1071C>G on transcript NM_199355.4 (MANE Select); coding-DNA position 1071, C replaced by G.
Protein change: p.Ile357Met; replaces isoleucine 357 with methionine.
Molecular consequence: missense variant.
Genome position (GRCh38, 1-based): chr16:77,362,250, G>C on the plus strand (C>G on the coding strand, the complement: ADAMTS18 is on the minus strand). VCF-style: chr16-77362250-G-C. GRCh37 (hg19) VCF-style: chr16-77396147-G-C.
Other names: c.555C>G, p.Ile185Met (NM_001326358.2); short protein forms I185M, I357M.
Identifiers: ClinVar variation 935305 (VCV000935305.8), dbSNP rs762909628, ClinGen allele CA8181442.

ClinVar aggregate classification (germline): Uncertain significance. Review status: criteria provided, multiple submitters, no conflicts (2 of 4 stars). 2 submissions from 2 submitters: Uncertain significance (2). Last evaluated 2025-01-08.

Conditions:
ADAMTS18-related disorder. Also called: ADAMTS18-related condition.

Allele frequency attached by ClinVar (database versions not stated): ExAC 0.00001; gnomAD 0.00001; TOPMed 0.00002.
gnomAD v4.1: 16 of 1,614,012 alleles (0.00099%); highest among the groups gnomAD compares: Admixed American, 0.0067%; no homozygotes.

Submissions (2):

PreventionGenetics, part of Exact Sciences
Classification: Uncertain significance for ADAMTS18-related condition. Last evaluated: 2025-01-08. Review status: criteria provided, single submitter. Criteria: ACMG Guidelines, 2015. Collection method: clinical testing. Allele origin: germline.
Comment: The ADAMTS18 c.1071C>G variant is predicted to result in the amino acid substitution p.Ile357Met. To our knowledge, this variant has not been reported in the literature. This variant is reported in 0.0058% of alleles in individuals of Latino descent in gnomAD. At this time, the clinical significance of this variant is uncertain due to the absence of conclusive functional and genetic evidence.

Labcorp Genetics (formerly Invitae), Labcorp
Classification: Uncertain significance. Last evaluated: 2022-07-19. Review status: criteria provided, single submitter. Criteria: Invitae Variant Classification Sherloc (09022015). Collection method: clinical testing. Allele origin: germline.
Comment: This sequence change replaces isoleucine, which is neutral and non-polar, with methionine, which is neutral and non-polar, at codon 357 of the ADAMTS18 protein (p.Ile357Met). This variant is present in population databases (rs762909628, gnomAD 0.006%). This variant has not been reported in the literature in individuals affected with ADAMTS18-related conditions. ClinVar contains an entry for this variant (Variation ID: 935305). Algorithms developed to predict the effect of missense changes on protein structure and function are either unavailable or do not agree on the potential impact of this missense change (SIFT: "Not Available"; PolyPhen-2: "Probably Damaging"; Align-GVGD: "Not Available"). In summary, the available evidence is currently insufficient to determine the role of this variant in disease. Therefore, it has been classified as a Variant of Uncertain Significance.